The following is an entry in ClinVar:

NM_000629.3(IFNAR1):c.206G>A (p.Gly69Glu)

Gene: IFNAR1 (interferon alpha and beta receptor subunit 1; plus strand). Cytogenetic location: 21q22.11.
Variant type: single nucleotide variant.
Coding change: c.206G>A on transcript NM_000629.3 (MANE Select); coding-DNA position 206, G replaced by A.
Protein change: p.Gly69Glu; replaces glycine 69 with glutamic acid.
Molecular consequence: missense variant. On other transcripts: 5 prime UTR variant (2), intron variant (1).
Genome position (GRCh38, 1-based): chr21:33,341,004, G>A. VCF-style: chr21-33341004-G-A. GRCh37 (hg19) VCF-style: chr21-34713310-G-A.
Other names: c.206G>A, p.Gly69Glu (NM_001384498.1, NM_001384499.1, NM_001384501.1 and 1 more transcripts); c.-581G>A (NM_001384500.1); c.-2G>A (NM_001384504.1); c.-183-74G>A (NM_001384502.1); short protein forms G69E.
Identifiers: ClinVar variation 1713674 (VCV001713674.5), dbSNP rs780724770, ClinGen allele CA10006427.

ClinVar aggregate classification (germline): Uncertain significance (1 of 4 stars; one submission).

Allele frequency attached by ClinVar (database versions not stated): gnomAD exomes below 0.00001; ExAC 0.00001; TOPMed 0.00002.
gnomAD v4.1: 6 of 1,603,226 alleles (0.00037%); highest among the groups gnomAD compares: Non-Finnish European, 0.00043%; no homozygotes.

Submission:

Labcorp Genetics (formerly Invitae), Labcorp
Classification: Uncertain significance. Last evaluated: 2022-07-24. Review status: criteria provided, single submitter. Criteria: Invitae Variant Classification Sherloc (09022015). Collection method: clinical testing. Allele origin: germline.
Comment: Algorithms developed to predict the effect of missense changes on protein structure and function output the following: SIFT: "Tolerated"; PolyPhen-2: "Benign"; Align-GVGD: "Class C0". The glutamic acid amino acid residue is found in multiple mammalian species, which suggests that this missense change does not adversely affect protein function. In summary, the available evidence is currently insufficient to determine the role of this variant in disease. Therefore, it has been classified as a Variant of Uncertain Significance. This variant has not been reported in the literature in individuals affected with IFNAR1-related conditions. This variant is present in population databases (rs780724770, gnomAD 0.002%). This sequence change replaces glycine, which is neutral and non-polar, with glutamic acid, which is acidic and polar, at codon 69 of the IFNAR1 protein (p.Gly69Glu).